The following is an entry in ClinVar:

ClinVar aggregate classification (germline): Uncertain significance. Review status: criteria provided, single submitter (1 of 4 stars). 2 submissions from 2 submitters: Uncertain significance (1). 1 of the submissions does not count toward it. Last evaluated 2025-04-13.

Conditions:
Inborn genetic diseases. Identifiers: MedGen C0950123, MeSH D030342.
RELN-related disorder. Also called: RELN-related condition.

Submissions (2):

Ambry Genetics
Classification: Uncertain significance for Inborn genetic diseases. Last evaluated: 2025-04-13. Review status: criteria provided, single submitter. Criteria: Ambry Variant Classification Scheme 2023. Collection method: clinical testing. Allele origin: germline.

PreventionGenetics, part of Exact Sciences
Classification: Uncertain significance for RELN-related condition. Last evaluated: 2024-02-11. Review status: no assertion criteria provided. Collection method: clinical testing. Allele origin: germline. Not counted in ClinVar's aggregate classification.
Comment: The RELN c.257G>A variant is predicted to result in the amino acid substitution p.Gly86Asp. To our knowledge, this variant has not been reported in the literature or in a large population database, indicating this variant is rare. At this time, the clinical significance of this variant is uncertain due to the absence of conclusive functional and genetic evidence.

NM_005045.4(RELN):c.257G>A (p.Gly86Asp)

Gene: RELN (reelin; minus strand). Cytogenetic location: 7q22.1.
Variant type: single nucleotide variant.
Coding change: c.257G>A on transcript NM_005045.4 (MANE Select); coding-DNA position 257, G replaced by A.
Protein change: p.Gly86Asp; replaces glycine 86 with aspartic acid.
Molecular consequence: missense variant.
Genome position (GRCh38, 1-based): chr7:103,917,155, C>T on the plus strand (G>A on the coding strand, the complement: RELN is on the minus strand). VCF-style: chr7-103917155-C-T. GRCh37 (hg19) VCF-style: chr7-103557602-C-T.
Other names: c.257G>A, p.Gly86Asp (NM_173054.3); short protein forms G86D.
Identifiers: ClinVar variation 3033491 (VCV003033491.3), dbSNP rs2484778991, ClinGen allele CA368931127.